The following is an entry in ClinVar:

ClinVar aggregate classification (germline): Uncertain significance. Review status: criteria provided, multiple submitters, no conflicts (2 of 4 stars). 2 submissions from 2 submitters: Uncertain significance (2). Last evaluated 2022-08-20.

Conditions:
Dilated cardiomyopathy 1G (CMD1G). Identifiers: Orphanet 154, MedGen C1858763, MONDO:0011400, OMIM 604145.
Autosomal recessive limb-girdle muscular dystrophy type 2J (LGMDR10). Also called: Limb-girdle muscular dystrophy, type 2J; MUSCULAR DYSTROPHY, LIMB-GIRDLE, AUTOSOMAL RECESSIVE 10. Identifiers: Orphanet 140922, MedGen C1837342, MONDO:0012127, OMIM 608807.

Submissions (2):

Labcorp Genetics (formerly Invitae), Labcorp
Classification: Uncertain significance for Dilated cardiomyopathy 1G; Autosomal recessive limb-girdle muscular dystrophy type 2J. Last evaluated: 2022-08-20. Review status: criteria provided, single submitter. Criteria: Invitae Variant Classification Sherloc (09022015). Collection method: clinical testing. Allele origin: germline.
Comment: This sequence change replaces leucine, which is neutral and non-polar, with tryptophan, which is neutral and slightly polar, at codon 34931 of the TTN protein (p.Leu34931Trp). This variant is not present in population databases (gnomAD no frequency). This variant has not been reported in the literature in individuals affected with TTN-related conditions. Experimental studies and prediction algorithms are not available or were not evaluated, and the functional significance of this variant is currently unknown. In summary, the available evidence is currently insufficient to determine the role of this variant in disease. Therefore, it has been classified as a Variant of Uncertain Significance. This variant is located in the M band of TTN (PMID: 25589632). Variants in this region may be relevant for neuromuscular disorders, but have not been definitively shown to cause cardiomyopathy (PMID: 23975875).

Revvity Omics, Revvity
Classification: Uncertain significance. Last evaluated: 2021-09-09. Review status: criteria provided, single submitter. Criteria: ACMG Guidelines, 2015. Collection method: clinical testing. Allele origin: germline.

Literature cited by the submitters: PubMed 25589632 (cited by Labcorp Genetics (formerly Invitae), Labcorp); PubMed 23975875 (cited by Labcorp Genetics (formerly Invitae), Labcorp).

NM_001267550.2(TTN):c.104792T>G (p.Leu34931Trp)

Genes: TTN-AS1 (TTN antisense RNA 1; plus strand), TTN (titin; minus strand). Cytogenetic location: 2q31.2.
Variant type: single nucleotide variant.
Coding change: c.104792T>G on transcript NM_001267550.2 (MANE Select); coding-DNA position 104792, T replaced by G.
Protein change: p.Leu34931Trp; replaces leucine 34931 with tryptophan.
Molecular consequence: missense variant.
Genome position (GRCh38, 1-based): chr2:178,531,823, A>C on the plus strand (T>G on the coding strand, the complement: TTN is on the minus strand). VCF-style: chr2-178531823-A-C. GRCh37 (hg19) VCF-style: chr2-179396550-A-C.
Other names: c.99869T>G, p.Leu33290Trp (NM_001256850.1); c.77597T>G, p.Leu25866Trp (NM_003319.4); c.97088T>G, p.Leu32363Trp (NM_133378.4); c.77972T>G, p.Leu25991Trp (NM_133432.3); c.78173T>G, p.Leu26058Trp (NM_133437.4); short protein forms L25866W, L33290W, L25991W, L32363W, L34931W, L26058W.
Identifiers: ClinVar variation 2025236 (VCV002025236.7), dbSNP rs2468424503, ClinGen allele CA349410913.